The following is an entry in ClinVar:

ClinVar aggregate classification (germline): Uncertain significance. Review status: criteria provided, multiple submitters, no conflicts (2 of 4 stars). 7 submissions from 7 submitters: Uncertain significance (7). Last evaluated 2025-10-23.

Conditions:
Hereditary cancer-predisposing syndrome. Also called: Hereditary Cancer Syndrome; Hereditary neoplastic syndrome; Tumor predisposition; Neoplastic Syndromes, Hereditary. Identifiers: Orphanet 140162, MedGen C0027672, MeSH D009386, MONDO:0015356.
Melanoma, cutaneous malignant, susceptibility to, 1 (CMM1). Also called: B-K MOLE SYNDROME; MELANOMA, MALIGNANT; DYSPLASTIC NEVUS SYNDROME, HEREDITARY; FAMILIAL ATYPICAL MOLE-MALIGNANT MELANOMA SYNDROME. Identifiers: Orphanet 618, MedGen C1835047, MONDO:0007963, OMIM 155600.
Peutz-Jeghers syndrome (PJS). Also called: POLYPOSIS, HAMARTOMATOUS INTESTINAL; POLYPS-AND-SPOTS SYNDROME; Peutz-Jeghers polyposis; Periorificial lentiginosis syndrome. Identifiers: Orphanet 2869, MedGen C0031269, MeSH D010580, MONDO:0008280, OMIM 175200.

Submissions (7):

Ambry Genetics
Classification: Uncertain significance for Hereditary cancer-predisposing syndrome. Last evaluated: 2025-10-23. Review status: criteria provided, single submitter. Criteria: Ambry Variant Classification Scheme 2023. Collection method: clinical testing. Allele origin: germline.
Comment: The p.N393S variant (also known as c.1178A>G), located in coding exon 9 of the STK11 gene, results from an A to G substitution at nucleotide position 1178. The asparagine at codon 393 is replaced by serine, an amino acid with highly similar properties. This amino acid position is highly conserved in available vertebrate species. In addition, this alteration is predicted to be tolerated by in silico analysis. Since supporting evidence is limited at this time, the clinical significance of this alteration remains unclear.

Labcorp Genetics (formerly Invitae), Labcorp
Classification: Uncertain significance for Peutz-Jeghers syndrome. Last evaluated: 2024-09-25. Review status: criteria provided, single submitter. Criteria: Invitae Variant Classification Sherloc (09022015). Collection method: clinical testing. Allele origin: germline.
Comment: This sequence change replaces asparagine, which is neutral and polar, with serine, which is neutral and polar, at codon 393 of the STK11 protein (p.Asn393Ser). This variant is not present in population databases (gnomAD no frequency). This missense change has been observed in individual(s) with breast cancer (PMID: 35264596). ClinVar contains an entry for this variant (Variation ID: 458018). Invitae Evidence Modeling of protein sequence and biophysical properties (such as structural, functional, and spatial information, amino acid conservation, physicochemical variation, residue mobility, and thermodynamic stability) indicates that this missense variant is not expected to disrupt STK11 protein function with a negative predictive value of 95%. In summary, the available evidence is currently insufficient to determine the role of this variant in disease. Therefore, it has been classified as a Variant of Uncertain Significance.

Color Diagnostics, LLC DBA Color Health
Classification: Uncertain significance for Hereditary cancer-predisposing syndrome. Last evaluated: 2024-03-06. Review status: criteria provided, single submitter. Criteria: ACMG Guidelines, 2015. Collection method: clinical testing. Allele origin: germline.
Comment: This missense variant replaces asparagine with serine at codon 393 of the STK11 protein. Computational prediction suggests that this variant may not impact protein structure and function (internally defined REVEL score threshold <= 0.5, PMID: 27666373). To our knowledge, functional studies have not been reported for this variant. This variant has not been reported in individuals affected with hereditary cancer in the literature. This variant has not been identified in the general population by the Genome Aggregation Database (gnomAD). The available evidence is insufficient to determine the role of this variant in disease conclusively. Therefore, this variant is classified as a Variant of Uncertain Significance.

Baylor Genetics
Classification: Uncertain significance for Melanoma, cutaneous malignant, susceptibility to, 1. Last evaluated: 2023-06-06. Review status: criteria provided, single submitter. Criteria: ACMG Guidelines, 2015. Collection method: clinical testing. Allele origin: unknown.

GeneDx
Classification: Uncertain significance. Last evaluated: 2023-05-17. Review status: criteria provided, single submitter. Criteria: GeneDx Variant Classification Process June 2021. Collection method: clinical testing. Allele origin: germline. Affected: yes.
Comment: Not observed at significant frequency in large population cohorts (gnomAD); In silico analysis supports that this missense variant does not alter protein structure/function; Observed in an individual with breast cancer (Guindalini et al., 2022); This variant is associated with the following publications: (PMID: 28900777, 35264596)

Genome-Nilou Lab
Classification: Uncertain significance for Peutz-Jeghers syndrome. Last evaluated: 2021-07-15. Review status: criteria provided, single submitter. Criteria: ACMG Guidelines, 2015. Collection method: clinical testing. Allele origin: germline. Affected: no.

Mendelics
Classification: Uncertain significance for Peutz-Jeghers syndrome. Last evaluated: 2018-07-02. Review status: criteria provided, single submitter. Criteria: Mendelics Assertion Criteria 2017. Collection method: clinical testing. Allele origin: unknown.

Literature cited by the submitters: PubMed 35264596 (cited by Labcorp Genetics (formerly Invitae), Labcorp).

NM_000455.5(STK11):c.1178A>G (p.Asn393Ser)

Gene: STK11 (serine/threonine kinase 11; plus strand). Cytogenetic location: 19p13.3.
Variant type: single nucleotide variant.
Coding change: c.1178A>G on transcript NM_000455.5 (MANE Select); coding-DNA position 1178, A replaced by G.
Protein change: p.Asn393Ser; replaces asparagine 393 with serine.
Molecular consequence: missense variant.
Genome position (GRCh38, 1-based): chr19:1,226,523, A>G. VCF-style: chr19-1226523-A-G. GRCh37 (hg19) VCF-style: chr19-1226522-A-G.
Other names: short protein forms N393S.
Identifiers: ClinVar variation 458018 (VCV000458018.22), dbSNP rs1060499965, ClinGen allele CA402953549.